The following is an entry in ClinVar:

NM_000548.5(TSC2):c.3575A>G (p.Gln1192Arg)

Gene: TSC2 (TSC complex subunit 2; plus strand). Cytogenetic location: 16p13.3.
Variant type: single nucleotide variant.
Coding change: c.3575A>G on transcript NM_000548.5 (MANE Select); coding-DNA position 3575, A replaced by G.
Protein change: p.Gln1192Arg; replaces glutamine 1192 with arginine.
Molecular consequence: missense variant.
Genome position (GRCh38, 1-based): chr16:2,080,342, A>G. VCF-style: chr16-2080342-A-G. GRCh37 (hg19) VCF-style: chr16-2130343-A-G.
Other names: c.3443A>G, p.Gln1148Arg (NM_001077183.3, NM_001370404.1); c.3575A>G, p.Gln1192Arg (NM_001114382.3); c.3335A>G, p.Gln1112Arg (NM_001318827.2); c.3299A>G, p.Gln1100Arg (NM_001318829.2); c.2843A>G, p.Gln948Arg (NM_001318831.2); c.3476A>G, p.Gln1159Arg (NM_001318832.2); c.3446A>G, p.Gln1149Arg (NM_001363528.2, NM_001370405.1, NM_021055.3); short protein forms Q1192R, Q1149R, Q1159R, Q1148R, Q1100R, Q1112R, Q948R.
Identifiers: ClinVar variation 642107 (VCV000642107.13), dbSNP rs755559677, ClinGen allele CA276746899.

ClinVar aggregate classification (germline): Uncertain significance. Review status: criteria provided, multiple submitters, no conflicts (2 of 4 stars). 4 submissions from 4 submitters: Uncertain significance (4). Last evaluated 2025-05-27.

Conditions:
Isolated focal cortical dysplasia type II (FCORD2). Also called: Focal cortical dysplasia type II; CORTICAL DYSPLASIA OF TAYLOR. Identifiers: Orphanet 268994, MedGen C1846385, MONDO:0011818, OMIM 607341, HP:0032051.
Hereditary cancer-predisposing syndrome. Also called: Tumor predisposition; Neoplastic Syndromes, Hereditary; Hereditary Cancer Syndrome; Hereditary neoplastic syndrome. Identifiers: Orphanet 140162, MedGen C0027672, MeSH D009386, MONDO:0015356.
Tuberous sclerosis 2 (TSC2). Identifiers: Orphanet 805, MedGen C1860707, MONDO:0013199, OMIM 613254.

Allele frequency attached by ClinVar (database versions not stated): gnomAD exomes below 0.00001.
gnomAD v4.1: 2 of 1,612,436 alleles (0.00012%); highest among the groups gnomAD compares: Non-Finnish European, 0.00017%; no homozygotes.

Submissions (4):

Ambry Genetics
Classification: Uncertain significance for Hereditary cancer-predisposing syndrome. Last evaluated: 2025-05-27. Review status: criteria provided, single submitter. Criteria: Ambry Variant Classification Scheme 2023. Collection method: clinical testing. Allele origin: germline.
Comment: The p.Q1192R variant (also known as c.3575A>G), located in coding exon 29 of the TSC2 gene, results from an A to G substitution at nucleotide position 3575. The glutamine at codon 1192 is replaced by arginine, an amino acid with highly similar properties. This amino acid position is highly conserved in available vertebrate species. In addition, this alteration is predicted to be deleterious by in silico analysis. Since supporting evidence is limited at this time, the clinical significance of this alteration remains unclear.

Labcorp Genetics (formerly Invitae), Labcorp
Classification: Uncertain significance for Tuberous sclerosis 2. Last evaluated: 2025-01-27. Review status: criteria provided, single submitter. Criteria: Invitae Variant Classification Sherloc (09022015). Collection method: clinical testing. Allele origin: germline.
Comment: This sequence change replaces glutamine, which is neutral and polar, with arginine, which is basic and polar, at codon 1192 of the TSC2 protein (p.Gln1192Arg). This variant is not present in population databases (gnomAD no frequency). This variant has not been reported in the literature in individuals affected with TSC2-related conditions. ClinVar contains an entry for this variant (Variation ID: 642107). Invitae Evidence Modeling of protein sequence and biophysical properties (such as structural, functional, and spatial information, amino acid conservation, physicochemical variation, residue mobility, and thermodynamic stability) indicates that this missense variant is not expected to disrupt TSC2 protein function with a negative predictive value of 95%. In summary, the available evidence is currently insufficient to determine the role of this variant in disease. Therefore, it has been classified as a Variant of Uncertain Significance.

Blueprint Genetics
Classification: Uncertain significance. Last evaluated: 2023-11-06. Review status: criteria provided, single submitter. Criteria: ACMG Guidelines, 2015. Collection method: clinical testing. Allele origin: germline.

Baylor Genetics
Classification: Uncertain significance for Isolated focal cortical dysplasia type II. Last evaluated: 2023-06-21. Review status: criteria provided, single submitter. Criteria: ACMG Guidelines, 2015. Collection method: clinical testing. Allele origin: unknown.